The following is an entry in ClinVar:

NM_000096.4(CP):c.2285+9C>G

Gene: CP (ceruloplasmin; minus strand). Cytogenetic location: 3q24.
Variant type: single nucleotide variant.
Coding change: c.2285+9C>G on transcript NM_000096.4 (MANE Select); 9 bases into the intron after coding-DNA position 2285, C replaced by G.
Molecular consequence: intron variant.
Genome position (GRCh38, 1-based): chr3:149,185,230, G>C on the plus strand (C>G on the coding strand, the complement: CP is on the minus strand). VCF-style: chr3-149185230-G-C. GRCh37 (hg19) VCF-style: chr3-148903017-G-C.
Other names: c.2285+9C>G (NM_000096.3).
Identifiers: ClinVar variation 2761363 (VCV002761363.5), dbSNP rs1726078274, ClinGen allele CA1054798006.
Genomic context (GRCh38, chr3:149,185,230, plus strand): 5'-ATTCTTACTTCTCTGAAAAGGAAACCTAAAATTACTGCTGAAATTGGGAATCAGAGTCTG[G>C]AGAATTACTTCTGCTCTTGTAAATGATGCAGCTCCTTTTCCCACTCCCTTTGTGGGGAAT-3'

ClinVar aggregate classification (germline): Likely benign. Review status: criteria provided, single submitter (1 of 4 stars). 2 submissions from 2 submitters: Likely benign (1). 1 of the submissions does not count toward it. Last evaluated 2024-01-22.

Conditions:
Deficiency of ferroxidase (ACEP). Also called: Deficiency of ceruloplasmin; Aceruloplasminemia; Ceruloplasmin deficiency; Familial apoceruloplasmin deficiency; Hereditary ceruloplasmin deficiency; NEURODEGENERATION WITH BRAIN IRON ACCUMULATION 10. Identifiers: Orphanet 48818, MedGen C0878682, MONDO:0011426, OMIM 604290, HP:0025498.
CP-related disorder. Also called: CP-related condition.

Allele frequency attached by ClinVar (database versions not stated): TOPMed below 0.00001; gnomAD 0.00001.
gnomAD v4.1: 1 of 1,611,608 alleles (0.000062%); highest among the groups gnomAD compares: Non-Finnish European, 0.000085%; no homozygotes.

Submissions (2):

Labcorp Genetics (formerly Invitae), Labcorp
Classification: Likely benign for Deficiency of ferroxidase. Last evaluated: 2024-01-22. Review status: criteria provided, single submitter. Criteria: Invitae Variant Classification Sherloc (09022015). Collection method: clinical testing. Allele origin: germline.

PreventionGenetics, part of Exact Sciences
Classification: Likely benign for CP-related condition. Last evaluated: 2023-09-19. Review status: no assertion criteria provided. Collection method: clinical testing. Allele origin: germline. Not counted in ClinVar's aggregate classification.
Comment: This variant is classified as likely benign based on ACMG/AMP sequence variant interpretation guidelines (Richards et al. 2015 PMID: 25741868, with internal and published modifications).